The following is an entry in ClinVar:

NM_000020.3(ACVRL1):c.1153A>C (p.Ile385Leu)

Gene: ACVRL1 (activin A receptor like type 1; plus strand). Cytogenetic location: 12q13.13.
Variant type: single nucleotide variant.
Coding change: c.1153A>C on transcript NM_000020.3 (MANE Select); coding-DNA position 1153, A replaced by C.
Protein change: p.Ile385Leu; replaces isoleucine 385 with leucine.
Molecular consequence: missense variant.
Genome position (GRCh38, 1-based): chr12:51,916,140, A>C. VCF-style: chr12-51916140-A-C. GRCh37 (hg19) VCF-style: chr12-52309924-A-C.
Other names: c.1153A>C, p.Ile385Leu (NM_001077401.2); short protein forms I385L.
Identifiers: ClinVar variation 982446 (VCV000982446.1), dbSNP rs1205407812, ClinGen allele CA384902628.

ClinVar aggregate classification (germline): Likely benign (1 of 4 stars; one submission).

Conditions:
Telangiectasia, hereditary hemorrhagic, type 2 (HHT2). Also called: Telangiectasia, hereditary hemorrhagic, type II; ACVRL1-Related Hereditary Hemorrhagic Telangiectasia. Identifiers: Orphanet 774, MedGen C1838163, MONDO:0010880, OMIM 600376. Disease mechanism: loss of function.

Allele frequency attached by ClinVar (database versions not stated): gnomAD exomes below 0.00001 and 0.00001.
gnomAD v4.1: 13 of 1,614,176 alleles (0.00081%); highest among the groups gnomAD compares: Non-Finnish European, 0.001%; no homozygotes.

Submission:

NIHR Bioresource Rare Diseases, University of Cambridge
Classification: Likely benign for Telangiectasia, hereditary hemorrhagic, type 2. Last evaluated: 2018-01-01. Review status: criteria provided, single submitter. Criteria: ACMG Guidelines, 2015. Collection method: research. Allele origin: unknown. Affected: yes. Observed: 1 variant allele.
Comment: BS1 +BP2

Literature cited by the submitters: PubMed 32573726.